The following is an entry in ClinVar:

ClinVar aggregate classification (germline): Uncertain significance (1 of 4 stars; one submission).

Submission:

Labcorp Genetics (formerly Invitae), Labcorp
Classification: Uncertain significance. Last evaluated: 2025-06-29. Review status: criteria provided, single submitter. Criteria: Invitae Variant Classification Sherloc (09022015). Collection method: clinical testing. Allele origin: germline.
Comment: This sequence change replaces proline, which is neutral and non-polar, with arginine, which is basic and polar, at codon 1289 of the LTBP4 protein (p.Pro1289Arg). This variant is not present in population databases (gnomAD no frequency). This variant has not been reported in the literature in individuals affected with LTBP4-related conditions. Experimental studies and prediction algorithms are not available or were not evaluated, and the functional significance of this variant is currently unknown. In summary, the available evidence is currently insufficient to determine the role of this variant in disease. Therefore, it has been classified as a Variant of Uncertain Significance.

NM_001042545.2(LTBP4):c.3776C>G (p.Pro1259Arg)

Gene: LTBP4 (latent transforming growth factor beta binding protein 4; plus strand). Cytogenetic location: 19q13.2.
Variant type: single nucleotide variant.
Coding change: c.3776C>G on transcript NM_001042545.2 (MANE Select); coding-DNA position 3776, C replaced by G.
Protein change: p.Pro1259Arg; replaces proline 1259 with arginine.
Molecular consequence: missense variant.
Genome position (GRCh38, 1-based): chr19:40,624,026, C>G. VCF-style: chr19-40624026-C-G. GRCh37 (hg19) VCF-style: chr19-41129931-C-G.
Other names: c.3977C>G, p.Pro1326Arg (NM_001042544.1); c.3866C>G, p.Pro1289Arg (NM_003573.2); short protein forms P1289R, P1259R, P1326R.
Identifiers: ClinVar variation 4771710 (VCV004771710.1).
Genomic context (GRCh38, chr19:40,624,026, plus strand): 5'-CCTGTGAGGGCGGCCGCTGTGTCAACACTGTGGGCTCTTATCACTGTACCTGCGAGCCCC[C>G]ACTGGTGCTGGATGGCTCGCAGCGCCGCTGCGTCTCCAACGAGAGCCAGAGCCTCGGTAA-3'
Protein context (NP_001036010.1, residues 1249-1269): VGSYHCTCEP[Pro1259Arg]LVLDGSQRRC